The following is an entry in ClinVar:

ClinVar aggregate classification (germline): Likely benign (0 of 4 stars; one submission).

Conditions:
DNAH17-related disorder. Also called: DNAH17-related condition.

Allele frequency attached by ClinVar (database versions not stated): gnomAD 0.00001; gnomAD exomes 0.00009; TOPMed 0.00012; ExAC 0.00016.
gnomAD v4.1: 56 of 1,613,836 alleles (0.0035%); highest among the groups gnomAD compares: Admixed American, 0.093%; no homozygotes.

Submission:

PreventionGenetics, part of Exact Sciences
Classification: Likely benign for DNAH17-related condition. Last evaluated: 2019-08-09. Review status: no assertion criteria provided. Collection method: clinical testing. Allele origin: germline.
Comment: This variant is classified as likely benign based on ACMG/AMP sequence variant interpretation guidelines (Richards et al. 2015 PMID: 25741868, with internal and published modifications).

NM_173628.4(DNAH17):c.4806G>A (p.Val1602=)

Gene: DNAH17 (dynein axonemal heavy chain 17; minus strand). Cytogenetic location: 17q25.3.
Variant type: single nucleotide variant.
Coding change: c.4806G>A on transcript NM_173628.4 (MANE Select); coding-DNA position 4806, G replaced by A.
Protein change: p.Val1602=; no amino-acid change (valine 1602 retained).
Molecular consequence: synonymous variant.
Genome position (GRCh38, 1-based): chr17:78,505,443, C>T on the plus strand (G>A on the coding strand, the complement: DNAH17 is on the minus strand). VCF-style: chr17-78505443-C-T. GRCh37 (hg19) VCF-style: chr17-76501525-C-T.
Identifiers: ClinVar variation 3035890 (VCV003035890.2), dbSNP rs750525533, ClinGen allele CA8803571.